The following is an entry in ClinVar:

NM_024675.4(PALB2):c.2441_2447del (p.Glu814fs)

Gene: PALB2 (partner and localizer of BRCA2; minus strand). Cytogenetic location: 16p12.2.
Variant type: Deletion.
Coding change: c.2441_2447del on transcript NM_024675.4 (MANE Select); coding-DNA positions 2441 to 2447, 7 bases deleted (AGTCATT; older notation c.2441_2447delAGTCATT).
Protein change: p.Glu814fs; shifts the reading frame from glutamic acid 814.
Molecular consequence: frameshift variant. On other transcripts: intron variant (1).
Genome position (GRCh38, 1-based): chr16:23,629,707-23,629,713, AATGACT deleted on the plus strand (AGTCATT on the coding strand, the reverse complement: PALB2 is on the minus strand). VCF-style (leftmost placement, unchanged base first): chr16-23629706-GAATGACT-G. GRCh37 (hg19) VCF-style: chr16-23641027-GAATGACT-G.
Other names: c.2381_2387del, p.Glu794fs (NM_001407296.1); c.2441_2447del, p.Glu814fs (NM_001407297.1, NM_001407298.1, NM_001407299.1 and 3 more transcripts); c.1556_1562del, p.Glu519fs (NM_001407304.1, NM_001407305.1, NM_001407306.1 and 5 more transcripts); c.653_659del, p.Glu218fs (NM_001407312.1, NM_001407313.1); c.49-438_49-432del (NM_001407314.1); short protein forms E814fs, E218fs, E794fs, E519fs.
Identifiers: ClinVar variation 2587419 (VCV002587419.3), dbSNP rs2506405176, ClinGen allele CA2582342510.

ClinVar aggregate classification (germline): Pathogenic. Review status: criteria provided, multiple submitters, no conflicts (2 of 4 stars). 2 submissions from 2 submitters: Pathogenic (2). Last evaluated 2023-09-12.

Conditions:
Hereditary cancer-predisposing syndrome. Also called: Tumor predisposition; Hereditary Cancer Syndrome; Hereditary neoplastic syndrome; Neoplastic Syndromes, Hereditary. Identifiers: Orphanet 140162, MedGen C0027672, MeSH D009386, MONDO:0015356.
Familial cancer of breast. Also called: BREAST CANCER, FAMILIAL; Hereditary breast cancer; hereditary breast carcinoma. Identifiers: Orphanet 227535, MedGen C0346153, MONDO:0016419, OMIM 114480. Disease mechanism: loss of function.

Submissions (2):

Myriad Genetics, Inc.
Classification: Pathogenic for Familial cancer of breast. Last evaluated: 2023-09-12. Review status: criteria provided, single submitter. Criteria: Myriad Autosomal Dominant, Autosomal Recessive and X-Linked Classification Criteria (2023). Collection method: clinical testing. Allele origin: unknown.
Comment: This variant is considered pathogenic. This variant creates a frameshift predicted to result in premature protein truncation.

Ambry Genetics
Classification: Pathogenic for Hereditary cancer-predisposing syndrome. Last evaluated: 2023-09-08. Review status: criteria provided, single submitter. Criteria: Ambry Variant Classification Scheme 2023. Collection method: clinical testing. Allele origin: germline.
Comment: The c.2441_2447delAGTCATT pathogenic mutation, located in coding exon 5 of the PALB2 gene, results from a deletion of 7 nucleotides at nucleotide positions 2441 to 2447, causing a translational frameshift with a predicted alternate stop codon (p.E814Afs*35). This variant is considered to be rare based on population cohorts in the Genome Aggregation Database (gnomAD). This alteration is expected to result in loss of function by premature protein truncation or nonsense-mediated mRNA decay. As such, this alteration is interpreted as a disease-causing mutation.